The following is an entry in ClinVar:

NM_001384474.1(LOXHD1):c.854A>G (p.Asp285Gly)

Gene: LOXHD1 (lipoxygenase homology PLAT domains 1; minus strand). Cytogenetic location: 18q21.1.
Variant type: single nucleotide variant.
Coding change: c.854A>G on transcript NM_001384474.1 (MANE Select); coding-DNA position 854, A replaced by G.
Protein change: p.Asp285Gly; replaces aspartic acid 285 with glycine.
Molecular consequence: missense variant.
Genome position (GRCh38, 1-based): chr18:46,604,135, T>C on the plus strand (A>G on the coding strand, the complement: LOXHD1 is on the minus strand). VCF-style: chr18-46604135-T-C. GRCh37 (hg19) VCF-style: chr18-44184098-T-C.
Other names: c.854A>G, p.Asp285Gly (NM_144612.7); short protein forms D285G.
Identifiers: ClinVar variation 505304 (VCV000505304.7), dbSNP rs1354495647, ClinGen allele CA402383726.

ClinVar aggregate classification (germline): Uncertain significance. Review status: criteria provided, multiple submitters, no conflicts (2 of 4 stars). 4 submissions from 4 submitters: Uncertain significance (3). 1 of the submissions does not count toward it. Last evaluated 2026-04-28.

Conditions:
LOXHD1-related disorder. Also called: LOXHD1-related condition.
Inborn genetic diseases. Identifiers: MedGen C0950123, MeSH D030342.
Autosomal recessive nonsyndromic hearing loss 77. Identifiers: Orphanet 90636, MedGen C2746083, MONDO:0013119, OMIM 613079.

Allele frequency attached by ClinVar (database versions not stated): gnomAD exomes 0.00001 and 0.00003; gnomAD 0.00012 and 0.00014; TOPMed 0.00012.

Submissions (4):

PreventionGenetics, part of Exact Sciences
Classification: Uncertain significance for LOXHD1-related condition. Last evaluated: 2026-04-28. Review status: criteria provided, single submitter. Criteria: ACMG Guidelines, 2015. Collection method: clinical testing. Allele origin: germline.
Comment: The LOXHD1 c.854A>G variant is predicted to result in the amino acid substitution p.Asp285Gly. To our knowledge, this variant has not been reported in the literature. This variant is reported in 0.060% of alleles in individuals of African descent in gnomAD. At this time, the clinical significance of this variant is uncertain due to the absence of conclusive functional and genetic evidence.

Ambry Genetics
Classification: Uncertain significance for Inborn genetic diseases. Last evaluated: 2024-11-14. Review status: criteria provided, single submitter. Criteria: Ambry Variant Classification Scheme 2023. Collection method: clinical testing. Allele origin: germline.

Laboratory for Molecular Medicine, Mass General Brigham Personalized Medicine
Classification: Uncertain significance. Last evaluated: 2016-11-19. Review status: criteria provided, single submitter. Criteria: LMM Criteria. Collection method: clinical testing. Allele origin: germline. Observed: 1 variant allele.
Comment: The p.Asp285Gly variant in LOXHD1 has not been previously reported in individual s with hearing loss. Data from large population studies is insufficient to asse ss the frequency of this variant. Computational prediction tools and conservatio n analyses do not provide strong support for or against an impact to the protein . In summary, the clinical significance of the p.Asp285Gly variant is uncertain.

Natera, Inc.
Classification: Uncertain significance for Autosomal recessive deafness type 77. Last evaluated: 2019-10-28. Review status: no assertion criteria provided. Collection method: clinical testing. Allele origin: germline. Not counted in ClinVar's aggregate classification.